The following is an entry in ClinVar:

ClinVar aggregate classification (germline): Uncertain significance. Review status: criteria provided, multiple submitters, no conflicts (2 of 4 stars). 2 submissions from 2 submitters: Uncertain significance (2). Last evaluated 2024-09-04.

Conditions:
Autosomal recessive limb-girdle muscular dystrophy type 2J (LGMDR10). Also called: Limb-girdle muscular dystrophy, type 2J; MUSCULAR DYSTROPHY, LIMB-GIRDLE, AUTOSOMAL RECESSIVE 10. Identifiers: Orphanet 140922, MedGen C1837342, MONDO:0012127, OMIM 608807.
Dilated cardiomyopathy 1G (CMD1G). Identifiers: Orphanet 154, MedGen C1858763, MONDO:0011400, OMIM 604145.

Allele frequency attached by ClinVar (database versions not stated): gnomAD exomes below 0.00001.
gnomAD v4.1: 6 of 1,612,384 alleles (0.00037%); highest among the groups gnomAD compares: Non-Finnish European, 0.00051%; no homozygotes.

Submissions (2):

GeneDx
Classification: Uncertain significance. Last evaluated: 2024-09-04. Review status: criteria provided, single submitter. Criteria: GeneDx Variant Classification Process June 2021. Collection method: clinical testing. Allele origin: germline. Affected: yes.
Comment: Not observed at significant frequency in large population cohorts (gnomAD); Missense variant in a gene in which most reported pathogenic variants are truncating/loss of function; Has not been previously published as pathogenic or benign to our knowledge; This variant is associated with the following publications: (PMID: 23975875)

Labcorp Genetics (formerly Invitae), Labcorp
Classification: Uncertain significance for Dilated cardiomyopathy 1G; Autosomal recessive limb-girdle muscular dystrophy type 2J. Last evaluated: 2017-04-12. Review status: criteria provided, single submitter. Criteria: Invitae Variant Classification Sherloc (09022015). Collection method: clinical testing. Allele origin: germline.

NM_001267550.2(TTN):c.20626T>A (p.Ser6876Thr)

Gene: TTN (titin; minus strand). Cytogenetic location: 2q31.2.
Variant type: single nucleotide variant.
Coding change: c.20626T>A on transcript NM_001267550.2 (MANE Select); coding-DNA position 20626, T replaced by A.
Protein change: p.Ser6876Thr; replaces serine 6876 with threonine.
Molecular consequence: missense variant. On other transcripts: intron variant (3).
Genome position (GRCh38, 1-based): chr2:178,725,578, A>T on the plus strand (T>A on the coding strand, the complement: TTN is on the minus strand). VCF-style: chr2-178725578-A-T. GRCh37 (hg19) VCF-style: chr2-179590305-A-T.
Other names: c.20626T>A (NM_001267550.1); c.19675T>A, p.Ser6559Thr (NM_001256850.1); c.16894T>A, p.Ser5632Thr (NM_133378.4); c.13282+12504T>A (NM_003319.4); c.13858+12504T>A (NM_133437.4); c.13657+12504T>A (NM_133432.3); short protein forms S6876T, S6559T, S5632T.
Identifiers: ClinVar variation 466882 (VCV000466882.4), dbSNP rs1359024577, ClinGen allele CA349542575.